The following is an entry in ClinVar:

ClinVar aggregate classification (germline): Pathogenic (1 of 4 stars; one submission).

Submission:

Labcorp Genetics (formerly Invitae), Labcorp
Classification: Pathogenic. Last evaluated: 2025-05-27. Review status: criteria provided, single submitter. Criteria: Invitae Variant Classification Sherloc (09022015). Collection method: clinical testing. Allele origin: germline.
Comment: This sequence change creates a premature translational stop signal (p.Gln1450*) in the POLE gene. It is expected to result in an absent or disrupted protein product. Loss-of-function variants in POLE are known to be pathogenic (PMID: 23230001, 25948378, 30503519). This variant is not present in population databases (gnomAD no frequency). This variant has not been reported in the literature in individuals affected with POLE-related conditions. ClinVar contains an entry for this variant (Variation ID: 2145149). Algorithms developed to predict the effect of sequence changes on RNA splicing suggest that this variant may disrupt the consensus splice site. For these reasons, this variant has been classified as Pathogenic.

Literature cited by the submitters: PubMed 23230001; PubMed 25948378; PubMed 30503519.

NM_006231.4(POLE):c.4348C>T (p.Gln1450Ter)

Gene: POLE (DNA polymerase epsilon, catalytic subunit; minus strand). Cytogenetic location: 12q24.33.
Variant type: single nucleotide variant.
Coding change: c.4348C>T on transcript NM_006231.4 (MANE Select); coding-DNA position 4348, C replaced by T.
Protein change: p.Gln1450Ter; replaces glutamine 1450 with a stop codon.
Molecular consequence: nonsense.
Genome position (GRCh38, 1-based): chr12:132,643,503, G>A on the plus strand (C>T on the coding strand, the complement: POLE is on the minus strand). VCF-style: chr12-132643503-G-A. GRCh37 (hg19) VCF-style: chr12-133220089-G-A.
Other names: short protein forms Q1450*.
Identifiers: ClinVar variation 2145149 (VCV002145149.4), dbSNP rs2541893689, ClinGen allele CA387381362.